The following is an entry in ClinVar:

NM_000260.4(MYO7A):c.874C>T (p.Arg292Trp)

Gene: MYO7A (myosin VIIA; plus strand). Cytogenetic location: 11q13.5.
Variant type: single nucleotide variant.
Coding change: c.874C>T on transcript NM_000260.4 (MANE Select); coding-DNA position 874, C replaced by T.
Protein change: p.Arg292Trp; replaces arginine 292 with tryptophan.
Molecular consequence: missense variant.
Genome position (GRCh38, 1-based): chr11:77,158,301, C>T. VCF-style: chr11-77158301-C-T. GRCh37 (hg19) VCF-style: chr11-76869347-C-T.
Other names: c.874C>T, p.Arg292Trp (NM_001127180.2); c.841C>T, p.Arg281Trp (NM_001369365.1); short protein forms R292W, R281W.
Identifiers: ClinVar variation 306163 (VCV000306163.15), dbSNP rs782505601, ClinGen allele CA6197289.

ClinVar aggregate classification (germline): Conflicting classifications of pathogenicity. Review status: criteria provided, conflicting classifications (1 of 4 stars). 5 submissions from 3 submitters: Uncertain significance (4); Likely benign (1). Last evaluated 2024-09-24.

Conditions:
Autosomal recessive nonsyndromic hearing loss 2. Also called: DEAFNESS, AUTOSOMAL RECESSIVE 2; NEUROSENSORY NONSYNDROMIC RECESSIVE DEAFNESS 2. Identifiers: Orphanet 90636, MedGen C1838701, MONDO:0010807, OMIM 600060.
Usher syndrome type 1 (USH1). Also called: RETINITIS PIGMENTOSA AND CONGENITAL DEAFNESS. Identifiers: Orphanet 231169, Orphanet 886, MedGen C1568247, MONDO:0010168, OMIM 276900.
Autosomal dominant nonsyndromic hearing loss 11. Identifiers: Orphanet 90635, MedGen C1832475, MONDO:0011032, OMIM 601317.

Allele frequency attached by ClinVar (database versions not stated): TOPMed 0.00002; gnomAD 0.00005; gnomAD exomes 0.00007; ExAC 0.00012.
gnomAD v4.1: 50 of 1,609,332 alleles (0.0031%); highest among the groups gnomAD compares: East Asian, 0.029%; no homozygotes.

Submissions (5):

Labcorp Genetics (formerly Invitae), Labcorp
Classification: Likely benign. Last evaluated: 2024-09-24. Review status: criteria provided, single submitter. Criteria: Invitae Variant Classification Sherloc (09022015). Collection method: clinical testing. Allele origin: germline.

GeneDx
Classification: Uncertain significance. Last evaluated: 2022-06-01. Review status: criteria provided, single submitter. Criteria: GeneDx Variant Classification Process June 2021. Collection method: clinical testing. Allele origin: germline. Affected: yes.
Comment: In silico analysis supports that this missense variant has a deleterious effect on protein structure/function; Has not been previously published as pathogenic or benign to our knowledge

Illumina Laboratory Services, Illumina
Classification: Uncertain significance for Autosomal dominant nonsyndromic hearing loss 11. Last evaluated: 2018-01-12. Review status: criteria provided, single submitter. Criteria: ICSL Variant Classification Criteria 13 December 2019. Collection method: clinical testing. Allele origin: germline.

Illumina Laboratory Services, Illumina
Classification: Uncertain significance for Usher syndrome type 1. Last evaluated: 2018-01-12. Review status: criteria provided, single submitter. Criteria: ICSL Variant Classification Criteria 13 December 2019. Collection method: clinical testing. Allele origin: germline.

Illumina Laboratory Services, Illumina
Classification: Uncertain significance for Autosomal recessive nonsyndromic hearing loss 2. Last evaluated: 2018-01-12. Review status: criteria provided, single submitter. Criteria: ICSL Variant Classification Criteria 13 December 2019. Collection method: clinical testing. Allele origin: germline.